The following is an entry in ClinVar:

NM_000321.3(RB1):c.1580A>G (p.Asp527Gly)

Gene: RB1 (RB transcriptional corepressor 1; plus strand). Cytogenetic location: 13q14.2.
Variant type: single nucleotide variant.
Coding change: c.1580A>G on transcript NM_000321.3 (MANE Select); coding-DNA position 1580, A replaced by G.
Protein change: p.Asp527Gly; replaces aspartic acid 527 with glycine.
Molecular consequence: missense variant.
Genome position (GRCh38, 1-based): chr13:48,381,328, A>G. VCF-style: chr13-48381328-A-G. GRCh37 (hg19) VCF-style: chr13-48955464-A-G.
Other names: c.1580A>G, p.Asp527Gly (NM_001407165.1, NM_001407166.1); short protein forms D527G.
Identifiers: ClinVar variation 3231195 (VCV003231195.1), dbSNP rs2542206713, ClinGen allele CA388163607.

ClinVar aggregate classification (germline): Uncertain significance (1 of 4 stars; one submission).

Conditions:
Hereditary cancer-predisposing syndrome. Also called: Neoplastic Syndromes, Hereditary; Tumor predisposition; Hereditary neoplastic syndrome; Hereditary Cancer Syndrome. Identifiers: Orphanet 140162, MedGen C0027672, MeSH D009386, MONDO:0015356.

Submission:

Ambry Genetics
Classification: Uncertain significance for Hereditary cancer-predisposing syndrome. Last evaluated: 2023-11-19. Review status: criteria provided, single submitter. Criteria: Ambry Variant Classification Scheme 2023. Collection method: clinical testing. Allele origin: germline.
Comment: The p.D527G variant (also known as c.1580A>G), located in coding exon 17 of the RB1 gene, results from an A to G substitution at nucleotide position 1580. The aspartic acid at codon 527 is replaced by glycine, an amino acid with similar properties. This amino acid position is conserved. In addition, this alteration is predicted to be deleterious by in silico analysis. Since supporting evidence is limited at this time, the clinical significance of this alteration remains unclear.